The following is an entry in ClinVar:

NM_015915.5(ATL1):c.1511G>A (p.Gly504Glu)

Gene: ATL1 (atlastin GTPase 1; plus strand). Cytogenetic location: 14q22.1.
Variant type: single nucleotide variant.
Coding change: c.1511G>A on transcript NM_015915.5 (MANE Select); coding-DNA position 1511, G replaced by A.
Protein change: p.Gly504Glu; replaces glycine 504 with glutamic acid.
Molecular consequence: missense variant.
Genome position (GRCh38, 1-based): chr14:50,628,422, G>A. VCF-style: chr14-50628422-G-A. GRCh37 (hg19) VCF-style: chr14-51095140-G-A.
Other names: c.1511G>A, p.Gly504Glu (NM_001127713.1, NM_181598.4); short protein forms G504E.
Identifiers: ClinVar variation 1038700 (VCV001038700.8), dbSNP rs1242753115, ClinGen allele CA389676447.

ClinVar aggregate classification (germline): Uncertain significance (1 of 4 stars; one submission).

Conditions:
Hereditary spastic paraplegia 3A (SPG3A). Also called: Spastic paraplegia 3A, autosomal dominant; SPASTIC PARAPLEGIA 3, AUTOSOMAL DOMINANT; FAMILIAL SPASTIC PARAPLEGIA, AUTOSOMAL DOMINANT, 1; SPG3; STRUMPELL DISEASE; Spastic Paraplegia 3A. Identifiers: Orphanet 100984, MedGen C2931355, MONDO:0008437, OMIM 182600.

Allele frequency attached by ClinVar (database versions not stated): gnomAD exomes below 0.00001.

Submission:

Labcorp Genetics (formerly Invitae), Labcorp
Classification: Uncertain significance for Hereditary spastic paraplegia 3A. Last evaluated: 2020-08-02. Review status: criteria provided, single submitter. Criteria: Invitae Variant Classification Sherloc (09022015). Collection method: clinical testing. Allele origin: germline.
Comment: This sequence change replaces glycine with glutamic acid at codon 504 of the ATL1 protein (p.Gly504Glu). The glycine residue is highly conserved and there is a moderate physicochemical difference between glycine and glutamic acid. This variant is not present in population databases (ExAC no frequency). This variant has not been reported in the literature in individuals with ATL1-related conditions. Advanced modeling of protein sequence and biophysical properties (such as structural, functional, and spatial information, amino acid conservation, physicochemical variation, residue mobility, and thermodynamic stability) performed at Invitae indicates that this missense variant is expected to disrupt ATL1 protein function. In summary, the available evidence is currently insufficient to determine the role of this variant in disease. Therefore, it has been classified as a Variant of Uncertain Significance.